The following is an entry in ClinVar:

NM_025114.4(CEP290):c.5570T>C (p.Leu1857Pro)

Gene: CEP290 (centrosomal protein 290; minus strand). Cytogenetic location: 12q21.32.
Variant type: single nucleotide variant.
Coding change: c.5570T>C on transcript NM_025114.4 (MANE Select); coding-DNA position 5570, T replaced by C.
Protein change: p.Leu1857Pro; replaces leucine 1857 with proline.
Molecular consequence: missense variant.
Genome position (GRCh38, 1-based): chr12:88,077,713, A>G on the plus strand (T>C on the coding strand, the complement: CEP290 is on the minus strand). VCF-style: chr12-88077713-A-G. GRCh37 (hg19) VCF-style: chr12-88471490-A-G.
Other names: short protein forms L1857P.
Identifiers: ClinVar variation 1197763 (VCV001197763.5), dbSNP rs1485169564, ClinGen allele CA385988064.
Genomic context (GRCh38, chr12:88,077,713, plus strand): 5'-CTATATTGTAAATCAGACATTATCAGAGTTAAATATAAAATTACCTGTAATCCACTGGTT[A>G]GTCTTTTAATTTGCCTTTTCAGTTCATCATTCTCTTGATCAATTTCCTCTTTCTCTCTAA-3'
Protein context (NP_079390.3, residues 1847-1867): NDELKRQIKR[Leu1857Pro]TSGLQGKPLT

ClinVar aggregate classification (germline): Uncertain significance. Review status: criteria provided, multiple submitters, no conflicts (2 of 4 stars). 3 submissions from 3 submitters: Uncertain significance (2). 1 of the submissions does not count toward it. Last evaluated 2023-06-22.

Conditions:
CEP290-related disorder. Also called: CEP290-related condition; CEP290-related disorders. Identifiers: MedGen CN239314.

Allele frequency attached by ClinVar (database versions not stated): gnomAD exomes below 0.00001; TOPMed 0.00001; gnomAD 0.00003.
gnomAD v4.1: 9 of 1,553,604 alleles (0.00058%); highest among the groups gnomAD compares: Non-Finnish European, 0.00078%; no homozygotes.

Submissions (3):

GeneDx
Classification: Uncertain significance. Last evaluated: 2023-06-22. Review status: criteria provided, single submitter. Criteria: GeneDx Variant Classification Process June 2021. Collection method: clinical testing. Allele origin: germline. Affected: yes.
Comment: Not observed at significant frequency in large population cohorts (gnomAD); In silico analysis, which includes protein predictors and evolutionary conservation, supports that this variant does not alter protein structure/function; Has not been previously published as pathogenic or benign to our knowledge

Blueprint Genetics
Classification: Uncertain significance. Last evaluated: 2019-02-21. Review status: criteria provided, single submitter. Criteria: ACMG Guidelines, 2015. Collection method: clinical testing. Allele origin: germline.

PreventionGenetics, part of Exact Sciences
Classification: Uncertain significance for CEP290-related condition. Last evaluated: 2023-12-05. Review status: no assertion criteria provided. Collection method: clinical testing. Allele origin: germline. Not counted in ClinVar's aggregate classification.
Comment: The CEP290 c.5570T>C variant is predicted to result in the amino acid substitution p.Leu1857Pro. To our knowledge, this variant has not been reported in the literature. This variant is reported in 0.0017% of alleles in individuals of European (Non-Finnish) descent in gnomAD. At this time, the clinical significance of this variant is uncertain due to the absence of conclusive functional and genetic evidence.